The following is an entry in ClinVar:

NM_025099.6(CTC1):c.2050C>G (p.Gln684Glu)

Gene: CTC1 (CST telomere replication complex component 1; minus strand). Cytogenetic location: 17p13.1.
Variant type: single nucleotide variant.
Coding change: c.2050C>G on transcript NM_025099.6 (MANE Select); coding-DNA position 2050, C replaced by G.
Protein change: p.Gln684Glu; replaces glutamine 684 with glutamic acid.
Molecular consequence: missense variant. On other transcripts: non-coding transcript variant (1).
Genome position (GRCh38, 1-based): chr17:8,232,371, G>C on the plus strand (C>G on the coding strand, the complement: CTC1 is on the minus strand). VCF-style: chr17-8232371-G-C. GRCh37 (hg19) VCF-style: chr17-8135689-G-C.
Other names: c.2050C>G, p.Gln684Glu (NM_001411067.1); short protein forms Q684E.
Identifiers: ClinVar variation 2037578 (VCV002037578.4), dbSNP rs2507902086, ClinGen allele CA397979404.

ClinVar aggregate classification (germline): Uncertain significance (1 of 4 stars; one submission).

Conditions:
Dyskeratosis congenita. Identifiers: Orphanet 1775, MedGen C0265965, MONDO:0015780.

Allele frequency attached by ClinVar (database versions not stated): gnomAD exomes below 0.00001.
gnomAD v4.1: 1 of 1,613,896 alleles (0.000062%); highest among the groups gnomAD compares: Non-Finnish European, 0.000085%; no homozygotes.

Submission:

Labcorp Genetics (formerly Invitae), Labcorp
Classification: Uncertain significance for Dyskeratosis congenita. Last evaluated: 2022-08-22. Review status: criteria provided, single submitter. Criteria: Invitae Variant Classification Sherloc (09022015). Collection method: clinical testing. Allele origin: germline.
Comment: In summary, the available evidence is currently insufficient to determine the role of this variant in disease. Therefore, it has been classified as a Variant of Uncertain Significance. Algorithms developed to predict the effect of missense changes on protein structure and function (SIFT, PolyPhen-2, Align-GVGD) all suggest that this variant is likely to be tolerated. This variant has not been reported in the literature in individuals affected with CTC1-related conditions. This variant is not present in population databases (gnomAD no frequency). This sequence change replaces glutamine, which is neutral and polar, with glutamic acid, which is acidic and polar, at codon 684 of the CTC1 protein (p.Gln684Glu).